The following is an entry in ClinVar:

NM_000535.7(PMS2):c.2085C>T (p.Ile695=)

Gene: PMS2 (PMS1 homolog 2, mismatch repair system component; minus strand). Cytogenetic location: 7p22.1.
Variant type: single nucleotide variant.
Coding change: c.2085C>T on transcript NM_000535.7 (MANE Select); coding-DNA position 2085, C replaced by T.
Protein change: p.Ile695=; no amino-acid change (isoleucine 695 retained).
Molecular consequence: synonymous variant. On other transcripts: non-coding transcript variant (1).
Genome position (GRCh38, 1-based): chr7:5,982,913, G>A on the plus strand (C>T on the coding strand, the complement: PMS2 is on the minus strand). VCF-style: chr7-5982913-G-A. GRCh37 (hg19) VCF-style: chr7-6022544-G-A.
Other names: c.1680C>T, p.Ile560= (NM_001322003.2, NM_001322004.2, NM_001322005.2 and 1 more transcripts); c.1929C>T, p.Ile643= (NM_001322006.2); c.1767C>T, p.Ile589= (NM_001322007.2, NM_001322008.2); c.1524C>T, p.Ile508= (NM_001322010.2); c.1152C>T, p.Ile384= (NM_001322011.2, NM_001322012.2); c.1512C>T, p.Ile504= (NM_001322013.2); c.2085C>T, p.Ile695= (NM_001322014.2); c.1776C>T, p.Ile592= (NM_001322015.2).
Identifiers: ClinVar variation 215755 (VCV000215755.24), dbSNP rs757157176, ClinGen allele CA046541.

ClinVar aggregate classification (germline): Conflicting classifications of pathogenicity. Review status: criteria provided, conflicting classifications (1 of 4 stars). 8 submissions from 8 submitters: Uncertain significance (1); Benign (2); Likely benign (5). Last evaluated 2026-08-01.

Conditions:
Hereditary nonpolyposis colorectal neoplasms. Identifiers: MedGen C0009405, MeSH D003123.
Hereditary cancer-predisposing syndrome. Also called: Neoplastic Syndromes, Hereditary; Tumor predisposition; Hereditary Cancer Syndrome; Hereditary neoplastic syndrome. Identifiers: Orphanet 140162, MedGen C0027672, MeSH D009386, MONDO:0015356.
Lynch syndrome 4 (LYNCH4). Also called: Colorectal cancer, hereditary nonpolyposis, type 4; Hereditary non-polyposis colorectal cancer, type 4. Identifiers: Orphanet 144, MedGen C1838333, MONDO:0013699, OMIM 614337. Disease mechanism: loss of function.
Lynch syndrome. Identifiers: Orphanet 144, MedGen C4552100, MONDO:0005835. Disease mechanism: loss of function.

Allele frequency attached by ClinVar (database versions not stated): ExAC 0.00002.

Submissions (8):

CeGaT Center for Human Genetics Tuebingen
Classification: Likely benign. Last evaluated: 2026-08-01. Review status: criteria provided, single submitter. Criteria: CeGaT Center For Human Genetics Tuebingen Variant Classification Criteria Version 2. Collection method: clinical testing. Allele origin: germline. Affected: yes. Observed: 1 variant allele.
Comment: PMS2: BP4, BP7

Labcorp Genetics (formerly Invitae), Labcorp
Classification: Likely benign for Hereditary nonpolyposis colorectal neoplasms. Last evaluated: 2026-02-03. Review status: criteria provided, single submitter. Criteria: Invitae Variant Classification Sherloc (09022015). Collection method: clinical testing. Allele origin: germline.

Myriad Genetics, Inc.
Classification: Benign for Lynch syndrome 4. Last evaluated: 2025-02-03. Review status: criteria provided, single submitter. Criteria: Myriad Autosomal Dominant, Autosomal Recessive and X-Linked Classification Criteria (2023). Collection method: clinical testing. Allele origin: unknown.
Comment: This variant is considered benign. This variant is a silent/synonymous amino acid change and it is not expected to impact splicing.

Department of Pathology and Laboratory Medicine, Sinai Health System
Classification: Uncertain significance for Lynch syndrome. Last evaluated: 2023-05-10. Review status: criteria provided, single submitter. Criteria: ACMG Guidelines, 2015. Collection method: clinical testing. Allele origin: germline. Affected: yes.

Color Diagnostics, LLC DBA Color Health
Classification: Likely benign for Hereditary cancer-predisposing syndrome. Last evaluated: 2021-11-24. Review status: criteria provided, single submitter. Criteria: ACMG Guidelines, 2015. Collection method: clinical testing. Allele origin: germline.

Women's Health and Genetics/Laboratory Corporation of America, LabCorp
Classification: Likely benign. Last evaluated: 2019-08-29. Review status: criteria provided, single submitter. Criteria: LabCorp Variant Classification Summary - May 2015. Collection method: clinical testing. Allele origin: germline.

Ambry Genetics
Classification: Likely benign for Hereditary cancer-predisposing syndrome. Last evaluated: 2016-02-23. Review status: criteria provided, single submitter. Criteria: Ambry Variant Classification Scheme 2023. Collection method: clinical testing. Allele origin: germline.

GeneDx
Classification: Benign. Last evaluated: 2015-03-03. Review status: criteria provided, single submitter. Criteria: GeneDx Variant Classification Process June 2021. Collection method: clinical testing. Allele origin: germline. Affected: yes.